The following is an entry in ClinVar:

NM_000368.5(TSC1):c.2268A>G (p.Lys756=)

Gene: TSC1 (TSC complex subunit 1; minus strand). Cytogenetic location: 9q34.13.
Variant type: single nucleotide variant.
Coding change: c.2268A>G on transcript NM_000368.5 (MANE Select); coding-DNA position 2268, A replaced by G.
Protein change: p.Lys756=; no amino-acid change (lysine 756 retained).
Molecular consequence: synonymous variant.
Genome position (GRCh38, 1-based): chr9:132,902,728, T>C on the plus strand (A>G on the coding strand, the complement: TSC1 is on the minus strand). VCF-style: chr9-132902728-T-C. GRCh37 (hg19) VCF-style: chr9-135778115-T-C.
Other names: c.2265A>G, p.Lys755= (NM_001162426.2); c.2115A>G, p.Lys705= (NM_001162427.2); c.1905A>G, p.Lys635= (NM_001362177.2).
Identifiers: ClinVar variation 715070 (VCV000715070.43), dbSNP rs760004541, ClinGen allele CA032013.

ClinVar aggregate classification (germline): Benign/Likely benign. Review status: criteria provided, multiple submitters, no conflicts (2 of 4 stars). 6 submissions from 6 submitters: Benign (2); Likely benign (4). Last evaluated 2025-09-01.

Conditions:
Tuberous sclerosis syndrome (TSC). Also called: Tuberous sclerosis; Tuberous Sclerosis Complex. Identifiers: Orphanet 805, MedGen C0041341, MONDO:0001734.
Hereditary cancer-predisposing syndrome. Also called: Neoplastic Syndromes, Hereditary; Tumor predisposition; Hereditary Cancer Syndrome; Hereditary neoplastic syndrome. Identifiers: Orphanet 140162, MedGen C0027672, MeSH D009386, MONDO:0015356.
Tuberous sclerosis 1 (TSC1). Identifiers: Orphanet 805, MedGen C1854465, MONDO:0008612, OMIM 191100.

Allele frequency attached by ClinVar (database versions not stated): ExAC 0.00001; gnomAD exomes 0.00001.
gnomAD v4.1: 7 of 1,614,176 alleles (0.00043%); highest among the groups gnomAD compares: Non-Finnish European, 0.00059%; no homozygotes.

Submissions (6):

CeGaT Center for Human Genetics Tuebingen
Classification: Likely benign. Last evaluated: 2025-09-01. Review status: criteria provided, single submitter. Criteria: CeGaT Center For Human Genetics Tuebingen Variant Classification Criteria Version 2. Collection method: clinical testing. Allele origin: germline. Affected: yes. Observed: 2 variant alleles.
Comment: TSC1: BP4, BP7

Myriad Genetics, Inc.
Classification: Benign for Tuberous sclerosis 1. Last evaluated: 2025-04-24. Review status: criteria provided, single submitter. Criteria: Myriad Autosomal Dominant, Autosomal Recessive and X-Linked Classification Criteria (2023). Collection method: clinical testing. Allele origin: unknown.
Comment: This variant is considered benign. This variant is a silent/synonymous amino acid change and it is not expected to impact splicing.

Labcorp Genetics (formerly Invitae), Labcorp
Classification: Likely benign for Tuberous sclerosis 1. Last evaluated: 2025-03-09. Review status: criteria provided, single submitter. Criteria: Invitae Variant Classification Sherloc (09022015). Collection method: clinical testing. Allele origin: germline.

All of Us Research Program, National Institutes of Health
Classification: Likely benign for Tuberous sclerosis syndrome. Last evaluated: 2023-05-16. Review status: criteria provided, single submitter. Criteria: ACMG Guidelines, 2015. Collection method: clinical testing. Allele origin: germline. Inheritance: Autosomal dominant inheritance. Observed: 2 variant alleles, 2 heterozygotes.
Comment: This study involves interpretation of variants in research participants for the purpose of population health screening. Participant phenotype was not available at the time of variant classification. Additional details can be found in publication PMID: 35346344, PMCID: PMC8962531

Genome-Nilou Lab
Classification: Benign for Tuberous sclerosis 1. Last evaluated: 2021-11-07. Review status: criteria provided, single submitter. Criteria: ACMG Guidelines, 2015. Collection method: clinical testing. Allele origin: germline. Affected: no.

Ambry Genetics
Classification: Likely benign for Hereditary cancer-predisposing syndrome. Last evaluated: 2019-05-31. Review status: criteria provided, single submitter. Criteria: Ambry Variant Classification Scheme 2023. Collection method: clinical testing. Allele origin: germline.